The following is an entry in ClinVar:

ClinVar aggregate classification (germline): Conflicting classifications of pathogenicity. Review status: criteria provided, conflicting classifications (1 of 4 stars). 2 submissions from 2 submitters: Uncertain significance (1); Likely benign (1). Last evaluated 2025-12-10.

Conditions:
Hereditary cancer-predisposing syndrome. Also called: Hereditary Cancer Syndrome; Hereditary neoplastic syndrome; Neoplastic Syndromes, Hereditary; Tumor predisposition. Identifiers: Orphanet 140162, MedGen C0027672, MeSH D009386, MONDO:0015356.
Gorlin syndrome. Also called: Basal cell nevus syndrome; Nevoid Basal Cell Carcinoma Syndrome. Identifiers: Orphanet 377, MedGen C0004779, MONDO:0007187.

Submissions (2):

Labcorp Genetics (formerly Invitae), Labcorp
Classification: Likely benign for Gorlin syndrome. Last evaluated: 2025-12-10. Review status: criteria provided, single submitter. Criteria: Invitae Variant Classification Sherloc (09022015). Collection method: clinical testing. Allele origin: germline.

Ambry Genetics
Classification: Uncertain significance for Hereditary cancer-predisposing syndrome. Last evaluated: 2024-08-20. Review status: criteria provided, single submitter. Criteria: Ambry Variant Classification Scheme 2023. Collection method: clinical testing. Allele origin: germline.
Comment: The c.2403C>T variant (also known as p.Y801Y), located in coding exon 15 of the PTCH1 gene, results from a C to T substitution at nucleotide position 2403. This nucleotide substitution does not change the amino acid at codon 801. This nucleotide position is highly conserved in available vertebrate species. In silico splice site analysis for this alteration is inconclusive; and direct evidence is insufficient (Ambry internal data). Based on the available evidence, the clinical significance of this variant remains unclear.

NM_000264.5(PTCH1):c.2403C>T (p.Tyr801=)

Genes: PTCH1 (patched 1; minus strand), LOC100507346 (uncharacterized LOC100507346; plus strand). Cytogenetic location: 9q22.32.
Variant type: single nucleotide variant.
Coding change: c.2403C>T on transcript NM_000264.5 (MANE Select); coding-DNA position 2403, C replaced by T.
Protein change: p.Tyr801=; no amino-acid change (tyrosine 801 retained).
Molecular consequence: synonymous variant.
Genome position (GRCh38, 1-based): chr9:95,467,273, G>A on the plus strand (C>T on the coding strand, the complement: PTCH1 is on the minus strand). VCF-style: chr9-95467273-G-A. GRCh37 (hg19) VCF-style: chr9-98229555-G-A.
Other names: c.2205C>T, p.Tyr735= (NM_001083602.3); c.2400C>T, p.Tyr800= (NM_001083603.3); c.1950C>T, p.Tyr650= (NM_001083604.3, NM_001083605.3, NM_001083606.3 and 1 more transcripts); c.2247C>T, p.Tyr749= (NM_001354918.2).
Identifiers: ClinVar variation 3427225 (VCV003427225.2).